The following is an entry in ClinVar:

NM_053025.4(MYLK):c.3242A>G (p.His1081Arg)

Gene: MYLK (myosin light chain kinase; minus strand). Cytogenetic location: 3q21.1.
Variant type: single nucleotide variant.
Coding change: c.3242A>G on transcript NM_053025.4 (MANE Select); coding-DNA position 3242, A replaced by G.
Protein change: p.His1081Arg; replaces histidine 1081 with arginine.
Molecular consequence: missense variant.
Genome position (GRCh38, 1-based): chr3:123,700,226, T>C on the plus strand (A>G on the coding strand, the complement: MYLK is on the minus strand). VCF-style: chr3-123700226-T-C. GRCh37 (hg19) VCF-style: chr3-123419073-T-C.
Other names: c.2714A>G, p.His905Arg (NM_001321309.2); c.3035A>G, p.His1012Arg (NM_053026.4, NM_053028.4); c.3242A>G, p.His1081Arg (NM_053027.4); short protein forms H1081R, H905R, H1012R.
Identifiers: ClinVar variation 264565 (VCV000264565.30), dbSNP rs113491038, ClinGen allele CA069481.

ClinVar aggregate classification (germline): Benign/Likely benign. Review status: criteria provided, multiple submitters, no conflicts (2 of 4 stars). 11 submissions from 11 submitters: Benign (3); Likely benign (5). 3 of the submissions do not count toward it. Last evaluated 2026-07-01.

Conditions:
MYLK-related disorder. Also called: MYLK-related condition.
Connective tissue disorder. Also called: Connective tissue disease. Identifiers: MedGen C0009782, MONDO:0003900.
Megacystis-microcolon-intestinal hypoperistalsis syndrome 1. Identifiers: MedGen C5542316, MONDO:0100354, OMIM 249210.
Aortic aneurysm, familial thoracic 7 (AAT7). Also called: AORTIC DISSECTION, FAMILIAL, WITH OR WITHOUT AORTIC ANEURYSM. Identifiers: MedGen C3151077, MONDO:0013418, OMIM 613780.
Familial thoracic aortic aneurysm and aortic dissection (TAAD). Also called: Thoracic aortic aneurysms and dissections. Identifiers: Orphanet 91387, MedGen C4707243, MONDO:0019625.

Allele frequency attached by ClinVar (database versions not stated): gnomAD exomes 0.00020 and 0.00054; ExAC 0.00068; ESP Exome Variant Server 0.00192; gnomAD 0.00223 and 0.00235; TOPMed 0.00240; 1000 Genomes Project 0.00300; 1000 Genomes Project 30x 0.00312.
gnomAD v4.1: 650 of 1,613,904 alleles (0.04%); highest among the groups gnomAD compares: African/African-American, 0.78%; 2 homozygotes.

Submissions (11):

CeGaT Center for Human Genetics Tuebingen
Classification: Likely benign. Last evaluated: 2026-07-01. Review status: criteria provided, single submitter. Criteria: CeGaT Center For Human Genetics Tuebingen Variant Classification Criteria Version 2. Collection method: clinical testing. Allele origin: germline. Affected: yes. Observed: 2 variant alleles.
Comment: MYLK: BP4, BS1

Labcorp Genetics (formerly Invitae), Labcorp
Classification: Benign for Aortic aneurysm, familial thoracic 7. Last evaluated: 2026-01-21. Review status: criteria provided, single submitter. Criteria: Invitae Variant Classification Sherloc (09022015). Collection method: clinical testing. Allele origin: germline.

Fulgent Genetics
Classification: Likely benign for Megacystis-microcolon-intestinal hypoperistalsis syndrome 1; Aortic aneurysm, familial thoracic 7. Last evaluated: 2021-09-22. Review status: criteria provided, single submitter. Criteria: ACMG Guidelines, 2015. Collection method: clinical testing. Allele origin: unknown.

Women's Health and Genetics/Laboratory Corporation of America, LabCorp
Classification: Benign. Last evaluated: 2019-08-19. Review status: criteria provided, single submitter. Criteria: LabCorp Variant Classification Summary - May 2015. Collection method: clinical testing. Allele origin: germline.
Comment: Variant summary: MYLK c.3242A>G (p.His1081Arg) results in a non-conservative amino acid change in the encoded protein sequence. Four of five in-silico tools predict a benign effect of the variant on protein function. The variant allele was found at a frequency of 0.00054 in 251462 control chromosomes. The observed variant frequency is approximately 21 fold of the estimated maximal expected allele frequency for a pathogenic variant in MYLK causing Aortopathy phenotype (2.5e-05), strongly suggesting that the variant is benign. To our knowledge, no occurrence of c.3242A>G in individuals affected with Aortopathy and no experimental evidence demonstrating its impact on protein function have been reported. Co-occurrences with other pathogenic variant(s) have been reported at our laboratory (FBN1 c.349C>T, p.Q117*), providing supporting evidence for a benign role. Four clinical diagnostic laboratories have submitted clinical-significance assessments for this variant to ClinVar after 2014 without evidence for independent evaluation. All laboratories classified the variant as benign (n=2)/likely benign (n=2). Based on the evidence outlined above, the variant was classified as benign.

Center for Human Genetics, Inc
Classification: Likely benign for Connective tissue disorder. Last evaluated: 2018-06-01. Review status: criteria provided, single submitter. Criteria: ACMG Guidelines, 2015. Collection method: clinical testing. Allele origin: germline. Affected: yes.

GeneDx
Classification: Benign. Last evaluated: 2018-02-26. Review status: criteria provided, single submitter. Criteria: GeneDx Variant Classification (06012015). Collection method: clinical testing. Allele origin: germline. Affected: yes.
Comment: This variant is considered likely benign or benign based on one or more of the following criteria: it is a conservative change, it occurs at a poorly conserved position in the protein, it is predicted to be benign by multiple in silico algorithms, and/or has population frequency not consistent with disease.

Ambry Genetics
Classification: Likely benign for Familial thoracic aortic aneurysm and aortic dissection. Last evaluated: 2018-01-23. Review status: criteria provided, single submitter. Criteria: Ambry Variant Classification Scheme 2023. Collection method: clinical testing. Allele origin: germline.

Breakthrough Genomics
Classification: Likely benign. Review status: criteria provided, single submitter. Criteria: ACMG Guidelines, 2015. Collection method: not provided. Allele origin: germline. Inheritance: Autosomal recessive inheritance. Affected: yes.

PreventionGenetics, part of Exact Sciences
Classification: Benign for MYLK-related condition. Last evaluated: 2019-05-31. Review status: no assertion criteria provided. Collection method: clinical testing. Allele origin: germline. Not counted in ClinVar's aggregate classification.
Comment: This variant is classified as benign based on ACMG/AMP sequence variant interpretation guidelines (Richards et al. 2015 PMID: 25741868, with internal and published modifications).

Genome Diagnostics Laboratory, Amsterdam University Medical Center
Classification: Benign. Review status: no assertion criteria provided. Collection method: clinical testing. Allele origin: germline. Affected: yes. Study: VKGL Data-share Consensus. Not counted in ClinVar's aggregate classification.

Genome Diagnostics Laboratory, University Medical Center Utrecht
Classification: Likely benign. Review status: no assertion criteria provided. Collection method: clinical testing. Allele origin: germline. Affected: yes. Study: VKGL Data-share Consensus. Not counted in ClinVar's aggregate classification.